The following is an entry in ClinVar:

ClinVar aggregate classification (germline): Uncertain significance (1 of 4 stars; one submission).

Conditions:
Congenital myasthenic syndrome 4A. Also called: Myasthenic syndrome, congenital, 4a, slow-channel; CONGENITAL MYASTHENIC SYNDROME TYPE Ia1; MYASTHENIC SYNDROME, CONGENITAL, 4A, SLOW-CHANNEL, AUTOSOMAL RECESSIVE. Identifiers: Orphanet 590, MedGen C4225413, MONDO:0011600, OMIM 605809.

gnomAD v4.1: 5 of 1,613,830 alleles (0.00031%); highest among the groups gnomAD compares: Non-Finnish European, 0.00034%; no homozygotes.

Submission:

Labcorp Genetics (formerly Invitae), Labcorp
Classification: Uncertain significance for Congenital myasthenic syndrome 4A. Last evaluated: 2025-07-13. Review status: criteria provided, single submitter. Criteria: Invitae Variant Classification Sherloc (09022015). Collection method: clinical testing. Allele origin: germline.
Comment: This sequence change replaces valine, which is neutral and non-polar, with glutamic acid, which is acidic and polar, at codon 122 of the CHRNE protein (p.Val122Glu). This variant is present in population databases (no rsID available, gnomAD 0.003%). This variant has not been reported in the literature in individuals affected with CHRNE-related conditions. Invitae Evidence Modeling of protein sequence and biophysical properties (such as structural, functional, and spatial information, amino acid conservation, physicochemical variation, residue mobility, and thermodynamic stability) has been performed for this missense variant. However, the output from this modeling did not meet the statistical confidence thresholds required to predict the impact of this variant on CHRNE protein function. In summary, the available evidence is currently insufficient to determine the role of this variant in disease. Therefore, it has been classified as a Variant of Uncertain Significance.

NM_000080.4(CHRNE):c.365T>A (p.Val122Glu)

Genes: C17orf107 (chromosome 17 open reading frame 107; plus strand), CHRNE (cholinergic receptor nicotinic epsilon subunit; minus strand). Cytogenetic location: 17p13.2.
Variant type: single nucleotide variant.
Coding change: c.365T>A on transcript NM_000080.4 (MANE Select); coding-DNA position 365, T replaced by A.
Protein change: p.Val122Glu; replaces valine 122 with glutamic acid.
Molecular consequence: missense variant. On other transcripts: 3 prime UTR variant (1).
Genome position (GRCh38, 1-based): chr17:4,902,067, A>T on the plus strand (T>A on the coding strand, the complement: CHRNE is on the minus strand). VCF-style: chr17-4902067-A-T. GRCh37 (hg19) VCF-style: chr17-4805362-A-T.
Other names: c.*1534A>T (NM_001145536.2); short protein forms V122E.
Identifiers: ClinVar variation 4746119 (VCV004746119.1).
Genomic context (GRCh38, chr17:4,902,067, plus strand): 5'-GCCGGAGGCAGCCACGTCACGGAGCCGCCCTCGTAGACGAGCACGTTGGCGTCGTAGGCC[A>T]CTCCGAACTGGCCATCAATACTGTGGGCTCGGGGAAACCGAGCTTTTTGCACAGGTCTGC-3'
Protein context (NP_000071.1, residues 112-132): LENNIDGQFG[Val122Glu]AYDANVLVYE